The following is an entry in ClinVar:

NM_001032382.2(PQBP1):c.314G>A (p.Arg105Gln)

Gene: PQBP1 (polyglutamine binding protein 1; plus strand). Cytogenetic location: Xp11.23.
Variant type: single nucleotide variant.
Coding change: c.314G>A on transcript NM_001032382.2 (MANE Select); coding-DNA position 314, G replaced by A.
Protein change: p.Arg105Gln; replaces arginine 105 with glutamine.
Molecular consequence: missense variant. On other transcripts: intron variant (2).
Genome position (GRCh38, 1-based): chrX:48,902,254, G>A. VCF-style: chrX-48902254-G-A. GRCh37 (hg19) VCF-style: chrX-48759531-G-A.
Other names: c.314G>A, p.Arg105Gln (NM_001032381.2, NM_001032383.2, NM_001032384.1 and 2 more transcripts); c.290G>A, p.Arg97Gln (NM_001167990.2); c.292+212G>A (NM_144495.3); c.202-188G>A (NM_001167992.1); short protein forms R105Q, R97Q.
Identifiers: ClinVar variation 2200796 (VCV002200796.6), dbSNP rs1370647444, ClinGen allele CA412889316.

ClinVar aggregate classification (germline): Conflicting classifications of pathogenicity. Review status: criteria provided, conflicting classifications (1 of 4 stars). 2 submissions from 2 submitters: Uncertain significance (1); Likely benign (1). Last evaluated 2024-05-01.

Allele frequency attached by ClinVar (database versions not stated): TOPMed 0.00002; gnomAD exomes 0.00003.

Submissions (2):

GeneDx
Classification: Likely benign. Last evaluated: 2024-05-01. Review status: criteria provided, single submitter. Criteria: GeneDx Variant Classification Process June 2021. Collection method: clinical testing. Allele origin: germline.
Comment: See Variant Classification Assertion Criteria.

Labcorp Genetics (formerly Invitae), Labcorp
Classification: Uncertain significance. Last evaluated: 2022-01-02. Review status: criteria provided, single submitter. Criteria: Invitae Variant Classification Sherloc (09022015). Collection method: clinical testing. Allele origin: germline.
Comment: In summary, the available evidence is currently insufficient to determine the role of this variant in disease. Therefore, it has been classified as a Variant of Uncertain Significance. Algorithms developed to predict the effect of missense changes on protein structure and function are either unavailable or do not agree on the potential impact of this missense change (SIFT: "Tolerated"; PolyPhen-2: "Possibly Damaging"; Align-GVGD: "Class C0"). This variant has not been reported in the literature in individuals affected with PQBP1-related conditions. This variant is present in population databases (no rsID available, gnomAD 0.001%). This sequence change replaces arginine, which is basic and polar, with glutamine, which is neutral and polar, at codon 105 of the PQBP1 protein (p.Arg105Gln).